The following is an entry in ClinVar:

NM_001127671.2(LIFR):c.3267C>G (p.Asn1089Lys)

Gene: LIFR (LIF receptor subunit alpha; minus strand). Cytogenetic location: 5p13.1.
Variant type: single nucleotide variant.
Coding change: c.3267C>G on transcript NM_001127671.2 (MANE Select); coding-DNA position 3267, C replaced by G.
Protein change: p.Asn1089Lys; replaces asparagine 1089 with lysine.
Molecular consequence: missense variant.
Genome position (GRCh38, 1-based): chr5:38,481,622, G>C on the plus strand (C>G on the coding strand, the complement: LIFR is on the minus strand). VCF-style: chr5-38481622-G-C. GRCh37 (hg19) VCF-style: chr5-38481724-G-C.
Other names: c.3267C>G, p.Asn1089Lys (NM_001364297.2, NM_002310.6); c.3234C>G, p.Asn1078Lys (NM_001364298.2); short protein forms N1078K, N1089K.
Identifiers: ClinVar variation 1936396 (VCV001936396.2), dbSNP rs532441112, ClinGen allele CA3242477.

ClinVar aggregate classification (germline): Uncertain significance (1 of 4 stars; one submission).

Allele frequency attached by ClinVar (database versions not stated): ExAC 0.00001; gnomAD 0.00001; gnomAD exomes 0.00001; 1000 Genomes Project 0.00020; 1000 Genomes Project 30x 0.00031.
gnomAD v4.1: 5 of 1,614,084 alleles (0.00031%); highest among the groups gnomAD compares: African/African-American, 0.0013%; no homozygotes.

Submission:

Labcorp Genetics (formerly Invitae), Labcorp
Classification: Uncertain significance. Last evaluated: 2022-07-05. Review status: criteria provided, single submitter. Criteria: Invitae Variant Classification Sherloc (09022015). Collection method: clinical testing. Allele origin: germline.
Comment: This sequence change replaces asparagine, which is neutral and polar, with lysine, which is basic and polar, at codon 1089 of the LIFR protein (p.Asn1089Lys). This variant is present in population databases (rs532441112, gnomAD 0.007%). This variant has not been reported in the literature in individuals affected with LIFR-related conditions. Algorithms developed to predict the effect of missense changes on protein structure and function are either unavailable or do not agree on the potential impact of this missense change (SIFT: "Tolerated"; PolyPhen-2: "Probably Damaging"; Align-GVGD: "Class C0"). Algorithms developed to predict the effect of sequence changes on RNA splicing suggest that this variant may create or strengthen a splice site. In summary, the available evidence is currently insufficient to determine the role of this variant in disease. Therefore, it has been classified as a Variant of Uncertain Significance.